The following is an entry in ClinVar:

ClinVar aggregate classification (germline): Conflicting classifications of pathogenicity. Review status: criteria provided, conflicting classifications (1 of 4 stars). 6 submissions from 6 submitters: Pathogenic (1); Likely pathogenic (4); Uncertain significance (1). Last evaluated 2025-08-28.

Conditions:
KBG syndrome (KBGS). Also called: ANKRD11-Related KBG Syndrome. Identifiers: Orphanet 2332, MedGen C0220687, MONDO:0007846, OMIM 148050.
Inborn genetic diseases. Identifiers: MedGen C0950123, MeSH D030342.

Submissions (6):

Ambry Genetics
Classification: Likely pathogenic for Inborn genetic diseases. Last evaluated: 2025-08-28. Review status: criteria provided, single submitter. Criteria: Ambry Variant Classification Scheme 2023. Collection method: clinical testing. Allele origin: germline.
Comment: The c.7607G>A (p.R2536Q) alteration is located in exon 11 (coding exon 9) of the ANKRD11 gene. This alteration results from a G to A substitution at nucleotide position 7607, causing the arginine (R) at amino acid position 2536 to be replaced by a glutamine (Q). This variant was not reported in population-based cohorts in the Genome Aggregation Database (gnomAD). This variant was reported in individual(s) with features consistent with KBG syndrome; in at least one individual, it was determined to be de novo (Guo, 2022; Kutkowska-Kamierczak, 2021; external communication). Other variant(s) at the same codon, c.7606C>T (p.R2536W), have been identified in individual(s) with features consistent with KBG syndrome (Bestetti, 2022; de Boer, 2022). This amino acid position is highly conserved in available vertebrate species. The in silico prediction for this alteration is inconclusive. Based on the available evidence, this alteration is classified as likely pathogenic.

Department of Human Genetics, Hannover Medical School
Classification: Likely pathogenic for KBG syndrome. Last evaluated: 2025-02-03. Review status: criteria provided, single submitter. Criteria: ACMG Guidelines, 2015. Collection method: clinical testing. Allele origin: germline. Inheritance: Autosomal dominant inheritance. Affected: yes.
Comment: ACMG: PS2, PS4_Moderate, PM2_Supporting, PM5

GeneDx
Classification: Pathogenic. Last evaluated: 2024-08-05. Review status: criteria provided, single submitter. Criteria: GeneDx Variant Classification Process June 2021. Collection method: clinical testing. Allele origin: germline. Affected: yes.
Comment: In silico analysis supports that this missense variant has a deleterious effect on protein structure/function; Not observed at significant frequency in large population cohorts (gnomAD); This variant is associated with the following publications: (PMID: 37226940, 37964495, 35970914, 34440431)

Dr. med. U. Finckh, Human Genetics, Eurofins MVZ
Classification: Likely pathogenic for KBG syndrome. Last evaluated: 2022-12-05. Review status: criteria provided, single submitter. Criteria: ACMG Guidelines, 2015. Collection method: clinical testing. Allele origin: maternal. Affected: yes. Observed: 2 heterozygotes. Clinical features observed: developmental delay, cognitive impairment.
Comment: However, the variant has since been classified as likely pathogenic in another publication (PMID: 35970914) and is now rated once each as pathogenic, likely pathogenic, and VUS in ClinVar. It has been detected in at least three patients with phenotype consistent with KBG syndrome (partially confirmed de novo) and is not found in >125.000 individuals of the general population (gnomAD v2). Apparently, maternal inheritance was also reported once (PMID: 35970914). Overall, the inheritance of causal ANKRD11 variants without signs of KBG syndrome in the corresponding parent seems possible (somatic mosaic, variable expressivity, intrafamilial variability, female patients seem to be less severely affected; Gene Reviews: NBK487886, PMID: 29258554). Thus, we classify the variant as likely pathogenic. Further information however may lead to up- or downrating and therefore should be followed closely.

CeGaT Center for Human Genetics Tuebingen
Classification: Uncertain significance. Last evaluated: 2020-09-01. Review status: criteria provided, single submitter. Criteria: CeGaT Center For Human Genetics Tuebingen Variant Classification Criteria Version 2. Collection method: clinical testing. Allele origin: germline. Affected: yes. Observed: 2 variant alleles.

Genome Medicine, Institute for Basic Research in Developmental Disabilities
Classification: Likely pathogenic for KBG syndrome. Review status: criteria provided, single submitter. Criteria: ACMG Guidelines, 2015. Collection method: clinical testing. Allele origin: de novo. Affected: yes. Observed: 1 variant allele.

Literature cited by the submitters: PubMed 34440431 (cited by Ambry Genetics); PubMed 35682590 (cited by Ambry Genetics); PubMed 35710456 (cited by Ambry Genetics); PubMed 35833929 (cited by Ambry Genetics); PubMed 35970914 (cited by Ambry Genetics and Genome Medicine, Institute for Basic Research in Developmental Disabilities).

NM_013275.6(ANKRD11):c.7607G>A (p.Arg2536Gln)

Gene: ANKRD11 (ankyrin repeat domain 11; minus strand). Cytogenetic location: 16q24.3.
Variant type: single nucleotide variant.
Coding change: c.7607G>A on transcript NM_013275.6 (MANE Select); coding-DNA position 7607, G replaced by A.
Protein change: p.Arg2536Gln; replaces arginine 2536 with glutamine.
Molecular consequence: missense variant.
Genome position (GRCh38, 1-based): chr16:89,274,920, C>T on the plus strand (G>A on the coding strand, the complement: ANKRD11 is on the minus strand). VCF-style: chr16-89274920-C-T. GRCh37 (hg19) VCF-style: chr16-89341328-C-T.
Other names: c.7607G>A, p.Arg2536Gln (NM_001256182.2, NM_001256183.2); c.7607G>A (NM_013275.4); short protein forms R2536Q.
Identifiers: ClinVar variation 1012410 (VCV001012410.45), dbSNP rs2033511172, ClinGen allele CA397147680.
Genomic context (GRCh38, chr16:89,274,920, plus strand): 5'-GTGCAGGCGCTGAATGGCACTGCCTGGTTGGCGATGGTCCTGGCCGCCCGGCAGTGAACC[C>T]GCAGAATCTCCTGCTCACAGGATACGATCAGCTTCTCCTGAAGGAGGAGAGGAGTAGAGT-3'
Protein context (NP_037407.4, residues 2526-2546): LIVSCEQEIL[Arg2536Gln]VHCRAARTIA